The following is an entry in ClinVar:

ClinVar aggregate classification (germline): Uncertain significance. Review status: criteria provided, multiple submitters, no conflicts (2 of 4 stars). 2 submissions from 2 submitters: Uncertain significance (2). Last evaluated 2024-02-17.

Allele frequency attached by ClinVar (database versions not stated): ExAC 0.00002; gnomAD 0.00002; TOPMed 0.00002.
gnomAD v4.1: 19 of 1,613,350 alleles (0.0012%); highest among the groups gnomAD compares: Middle Eastern, 0.017%; no homozygotes.

Submissions (2):

Ambry Genetics
Classification: Uncertain significance. Last evaluated: 2024-02-17. Review status: criteria provided, single submitter. Criteria: Ambry Variant Classification Scheme 2023. Collection method: clinical testing. Allele origin: germline.

Labcorp Genetics (formerly Invitae), Labcorp
Classification: Uncertain significance. Last evaluated: 2023-08-07. Review status: criteria provided, single submitter. Criteria: Invitae Variant Classification Sherloc (09022015). Collection method: clinical testing. Allele origin: germline.
Comment: This sequence change replaces alanine, which is neutral and non-polar, with valine, which is neutral and non-polar, at codon 1741 of the NIN protein (p.Ala1741Val). This variant is present in population databases (rs762668291, gnomAD 0.006%). This variant has not been reported in the literature in individuals affected with NIN-related conditions. An algorithm developed to predict the effect of missense changes on protein structure and function (PolyPhen-2) suggests that this variant is likely to be tolerated. In summary, the available evidence is currently insufficient to determine the role of this variant in disease. Therefore, it has been classified as a Variant of Uncertain Significance.

NM_020921.4(NIN):c.5222C>T (p.Ala1741Val)

Gene: NIN (ninein; minus strand). Cytogenetic location: 14q22.1.
Variant type: single nucleotide variant.
Coding change: c.5222C>T on transcript NM_020921.4 (MANE Select); coding-DNA position 5222, C replaced by T.
Protein change: p.Ala1741Val; replaces alanine 1741 with valine.
Molecular consequence: missense variant.
Genome position (GRCh38, 1-based): chr14:50,743,495, G>A on the plus strand (C>T on the coding strand, the complement: NIN is on the minus strand). VCF-style: chr14-50743495-G-A. GRCh37 (hg19) VCF-style: chr14-51210213-G-A.
Other names: c.5222C>T (NM_020921.3); c.3083C>T, p.Ala1028Val (NM_016350.5); c.5222C>T, p.Ala1741Val (NM_182944.3, NM_182946.2); short protein forms A1028V, A1741V.
Identifiers: ClinVar variation 2985209 (VCV002985209.4), dbSNP rs762668291, ClinGen allele CA7181350.